The following is an entry in ClinVar:

NM_001366145.2(TRPM3):c.4187C>A (p.Ala1396Asp)

Genes: KLF9-DT (KLF9 divergent transcript; plus strand), TRPM3 (transient receptor potential cation channel subfamily M member 3; minus strand). Cytogenetic location: 9q21.12.
Variant type: single nucleotide variant.
Coding change: c.4187C>A on transcript NM_001366145.2 (MANE Select); coding-DNA position 4187, C replaced by A.
Protein change: p.Ala1396Asp; replaces alanine 1396 with aspartic acid.
Molecular consequence: missense variant. On other transcripts: intron variant (8).
Genome position (GRCh38, 1-based): chr9:70,536,926, G>T on the plus strand (C>A on the coding strand, the complement: TRPM3 is on the minus strand). VCF-style: chr9-70536926-G-T. GRCh37 (hg19) VCF-style: chr9-73151842-G-T.
Other names: c.3767C>A, p.Ala1256Asp (NM_206946.5); c.3737C>A, p.Ala1246Asp (NM_206947.5); c.3961+196C>A (NM_001366143.2); c.3997+196C>A (NM_001366142.2); c.3925+196C>A (NM_001366150.2); c.3955+196C>A (NM_001366151.2); c.3991+196C>A (NM_001366146.2); c.4036+196C>A (NM_001366148.2); and 9 more; short protein forms A1221D, A1231D, A1233D, A1243D, A1246D, A1256D, A1384D, A1386D.
Identifiers: ClinVar variation 1700411 (VCV001700411.2), dbSNP rs2041917397, ClinGen allele CA373550746.
Genomic context (GRCh38, chr9:70,536,926, plus strand): 5'-ACATAGATGTCTATACACGATGATGGTCTTCTGGAATCAGGAACAATGGCCAAGGTGTTG[G>T]CAGGGGCTGCAGGAGCTTTGGGTTCTTTTGCTACAGAGTGGGAACTAGTAGCCCGGTGTA-3'
Protein context (NP_001353074.1, residues 1386-1406): AKEPKAPAAP[Ala1396Asp]NTLAIVPDSR

ClinVar aggregate classification (germline): Uncertain significance (1 of 4 stars; one submission).

Submission:

GeneDx
Classification: Uncertain significance. Last evaluated: 2022-02-03. Review status: criteria provided, single submitter. Criteria: GeneDx Variant Classification Process June 2021. Collection method: clinical testing. Allele origin: germline. Affected: yes.
Comment: Not observed at significant frequency in large population cohorts (gnomAD); In silico analysis supports that this missense variant does not alter protein structure/function; Has not been previously published as pathogenic or benign to our knowledge